The following is an entry in ClinVar:

ClinVar aggregate classification (germline): Uncertain significance (1 of 4 stars; one submission).

Conditions:
Hereditary spastic paraplegia 30. Identifiers: Orphanet 101010, MedGen C5235139, MONDO:0012476.
Neuropathy, hereditary sensory, type 2C. Also called: Hereditary sensory and autonomic neuropathy type IIC; KIF1A-Related HSAN2 (HSAN2C). Identifiers: Orphanet 970, MedGen C3280168, MONDO:0013634, OMIM 614213.
Intellectual disability, autosomal dominant 9 (NESCAVS). Also called: NESCAV SYNDROME; KIF1A-Related Neurodevelopmental Disorder. Identifiers: Orphanet 662367, MedGen C5393830, MONDO:0013656, OMIM 614255.

Submission:

Labcorp Genetics (formerly Invitae), Labcorp
Classification: Uncertain significance for Hereditary spastic paraplegia 30; Neuropathy, hereditary sensory, type 2C; Intellectual disability, autosomal dominant 9. Last evaluated: 2023-03-30. Review status: criteria provided, single submitter. Criteria: Invitae Variant Classification Sherloc (09022015). Collection method: clinical testing. Allele origin: germline.
Comment: Advanced modeling of protein sequence and biophysical properties (such as structural, functional, and spatial information, amino acid conservation, physicochemical variation, residue mobility, and thermodynamic stability) has been performed at Invitae for this missense variant, however the output from this modeling did not meet the statistical confidence thresholds required to predict the impact of this variant on KIF1A protein function. In summary, the available evidence is currently insufficient to determine the role of this variant in disease. Therefore, it has been classified as a Variant of Uncertain Significance. ClinVar contains an entry for this variant (Variation ID: 2177801). This variant has not been reported in the literature in individuals affected with KIF1A-related conditions. This variant is not present in population databases (gnomAD no frequency). This sequence change replaces threonine, which is neutral and polar, with alanine, which is neutral and non-polar, at codon 835 of the KIF1A protein (p.Thr835Ala).

NM_001244008.2(KIF1A):c.2530A>G (p.Thr844Ala)

Gene: KIF1A (kinesin family member 1A; minus strand). Cytogenetic location: 2q37.3.
Variant type: single nucleotide variant.
Coding change: c.2530A>G on transcript NM_001244008.2 (MANE Select); coding-DNA position 2530, A replaced by G.
Protein change: p.Thr844Ala; replaces threonine 844 with alanine.
Molecular consequence: missense variant.
Genome position (GRCh38, 1-based): chr2:240,758,412, T>C on the plus strand (A>G on the coding strand, the complement: KIF1A is on the minus strand). VCF-style: chr2-240758412-T-C. GRCh37 (hg19) VCF-style: chr2-241697829-T-C.
Other names: c.2530A>G, p.Thr844Ala (NM_001320705.2, NM_001330289.2, NM_001379638.1); c.2605A>G, p.Thr869Ala (NM_001330290.2, NM_001379631.1, NM_001379634.1 and 2 more transcripts); c.2503A>G, p.Thr835Ala (NM_001379632.1, NM_001379633.1, NM_001379636.1 and 11 more transcripts); c.2578A>G, p.Thr860Ala (NM_001379637.1, NM_001379648.1); short protein forms T835A, T844A, T860A, T869A.
Identifiers: ClinVar variation 2177801 (VCV002177801.4), dbSNP rs2537536702, ClinGen allele CA351323644.